The following is an entry in ClinVar:

ClinVar aggregate classification (germline): Pathogenic (1 of 4 stars; one submission).

Allele frequency attached by ClinVar (database versions not stated): gnomAD exomes below 0.00001.

Submission:

CeGaT Center for Human Genetics Tuebingen
Classification: Pathogenic. Last evaluated: 2022-04-01. Review status: criteria provided, single submitter. Criteria: CeGaT Center For Human Genetics Tuebingen Variant Classification Criteria Version 2. Collection method: clinical testing. Allele origin: germline. Affected: yes. Observed: 2 variant alleles.
Comment: TREM2: PVS1, PM2, PM3

NM_018965.4(TREM2):c.199del (p.His67fs)

Gene: TREM2 (triggering receptor expressed on myeloid cells 2; minus strand). Cytogenetic location: 6p21.1.
Variant type: Deletion.
Coding change: c.199del on transcript NM_018965.4 (MANE Select); coding-DNA position 199, one base deleted (C; older notation c.199delC).
Protein change: p.His67fs; shifts the reading frame from histidine 67.
Molecular consequence: frameshift variant.
Genome position (GRCh38, 1-based): chr6:41,161,455, G deleted on the plus strand (C on the coding strand, the reverse complement: TREM2 is on the minus strand). VCF-style (leftmost placement, unchanged base first): chr6-41161454-TG-T. GRCh37 (hg19) VCF-style: chr6-41129192-TG-T.
Other names: c.199del, p.His67fs (NM_001271821.2); short protein forms H67fs.
Identifiers: ClinVar variation 1676016 (VCV001676016.33), dbSNP rs1294860969, ClinGen allele CA567147753.